The following is an entry in ClinVar:

ClinVar aggregate classification (germline): Uncertain significance (1 of 4 stars; one submission).

Conditions:
Adenylosuccinate lyase deficiency (ADSLD). Also called: ADSL DEFICIENCY. Identifiers: Orphanet 46, MedGen C0268126, MONDO:0007068, OMIM 103050.

Allele frequency attached by ClinVar (database versions not stated): TOPMed 0.00002; gnomAD 0.00003.

Submission:

Labcorp Genetics (formerly Invitae), Labcorp
Classification: Uncertain significance for Adenylosuccinate lyase deficiency. Last evaluated: 2024-02-23. Review status: criteria provided, single submitter. Criteria: Invitae Variant Classification Sherloc (09022015). Collection method: clinical testing. Allele origin: germline.
Comment: This variant occurs in a non-coding region of the ADSL gene. It does not change the encoded amino acid sequence of the ADSL protein. This variant is not present in population databases (gnomAD no frequency). This variant has not been reported in the literature in individuals affected with ADSL-related conditions. Experimental studies and prediction algorithms are not available or were not evaluated, and the functional significance of this variant is currently unknown. In summary, the available evidence is currently insufficient to determine the role of this variant in disease. Therefore, it has been classified as a Variant of Uncertain Significance.

NC_000022.11:g.40345601C>G

Gene: ADSL (adenylosuccinate lyase; plus strand). Cytogenetic location: 22q13.1.
Variant type: single nucleotide variant.
Genome position: GRCh38 VCF-style: chr22-40345601-C-G. GRCh37 (hg19) VCF-style: chr22-40741605-C-G.
Identifiers: ClinVar variation 1976534 (VCV001976534.6), dbSNP rs1364287314, ClinGen allele CA753179545.
Genomic context (GRCh38, chr22:40,345,601, plus strand): 5'-CACTCCAGACTGAACAACATAGCAAGACCCTGTCAAAAAAAAAAAAAAGGGGGGGGGCCA[C>G]TTGAGTGTTTCTATTTCTATTTATTTATTTAATTCTTTTATTTTTTGGAGACGGAGTCTC-3'